The following is an entry in ClinVar:

NM_002834.5(PTPN11):c.1471C>G (p.Pro491Ala)

Gene: PTPN11 (protein tyrosine phosphatase non-receptor type 11; plus strand). Cytogenetic location: 12q24.13.
Variant type: single nucleotide variant.
Coding change: c.1471C>G on transcript NM_002834.5 (MANE Select); coding-DNA position 1471, C replaced by G.
Protein change: p.Pro491Ala; replaces proline 491 with alanine.
Molecular consequence: missense variant.
Genome position (GRCh38, 1-based): chr12:112,489,047, C>G. VCF-style: chr12-112489047-C-G. GRCh37 (hg19) VCF-style: chr12-112926851-C-G.
Other names: p.P491A:CCC>GCC; c.1483C>G, p.Pro495Ala (NM_001330437.2); c.1468C>G, p.Pro490Ala (NM_001374625.1); c.[1471C>G] (NM_002834.4); short protein forms P491A, P495A, P490A.
Identifiers: ClinVar variation 181503 (VCV000181503.22), dbSNP rs397507539, ClinGen allele CA297097.

ClinVar aggregate classification (germline): Pathogenic/Likely pathogenic. Review status: criteria provided, multiple submitters, no conflicts (2 of 4 stars). 8 submissions from 8 submitters: Pathogenic (5); Likely pathogenic (2). 1 of the submissions does not count toward it. Last evaluated 2026-02-06.

Conditions:
PTPN11-related disorder. Also called: PTPN11-Related Disorders.
Astrocytic tumor. Identifiers: Orphanet 94, MedGen CN294317, MONDO:0021636.
Noonan syndrome and Noonan-related syndrome. Identifiers: Orphanet 98733, MedGen C5681679, MONDO:0020297.
Juvenile myelomonocytic leukemia (JMML). Also called: LEUKEMIA, JUVENILE MYELOMONOCYTIC, SOMATIC. Identifiers: Orphanet 86834, MedGen C0349639, MONDO:0011908, OMIM 607785, HP:0012209.
LEOPARD syndrome 1 (LPRD1). Also called: LENTIGINOSIS, CARDIOMYOPATHIC; MULTIPLE LENTIGINES SYNDROME; PTPN11-Related LEOPARD Syndrome. Identifiers: Orphanet 500, MedGen C4551484, MONDO:0100082, OMIM 151100.
Metachondromatosis (METCDS). Identifiers: Orphanet 2499, MedGen C0410530, MONDO:0007979, OMIM 156250.
Noonan syndrome 1 (NS1). Also called: FEMALE PSEUDO-TURNER SYNDROME; PTPN11-Related Noonan Syndrome; TURNER PHENOTYPE WITH NORMAL KARYOTYPE. Identifiers: Orphanet 648, MedGen C4551602, MONDO:0008104, OMIM 163950. Disease mechanism: gain of function.
RASopathy. Also called: rasopathies; Noonan spectrum disorder. Identifiers: Orphanet 536391, MedGen C5555857, MONDO:0021060.
Noonan syndrome (NS). Also called: Noonan's syndrome. Identifiers: Orphanet 648, MedGen C0028326, MeSH D009634, MONDO:0018997. Disease mechanism: gain of function.

Allele frequency attached by ClinVar (database versions not stated): TOPMed below 0.00001 and 0.00001; gnomAD 0.00001.
gnomAD v4.1: 3 of 1,613,884 alleles (0.00019%); highest among the groups gnomAD compares: Admixed American, 0.0017%; no homozygotes.

Submissions (8):

GeneDx
Classification: Pathogenic. Last evaluated: 2026-02-06. Review status: criteria provided, single submitter. Criteria: GeneDx Variant Classification Process June 2021. Collection method: clinical testing. Allele origin: germline. Affected: yes.
Comment: In silico analysis indicates that this missense variant does not alter protein structure/function; Missense variants in this gene are often considered pathogenic (HGMD); Not observed at significant frequency in large population cohorts (gnomAD); This variant is associated with the following publications: (PMID: 32737134, 28650561, 31292302, 28607217, 37021343)

Institute of Medical Genetics and Applied Genomics, University Hospital Tübingen
Classification: Pathogenic for Astrocytic tumor. Last evaluated: 2024-02-21. Review status: criteria provided, single submitter. Criteria: ACMG Guidelines, 2015. Collection method: clinical testing. Allele origin: germline. Inheritance: Autosomal dominant inheritance. Affected: yes.

Fulgent Genetics
Classification: Likely pathogenic for LEOPARD syndrome 1; Metachondromatosis; Noonan syndrome 1; Juvenile myelomonocytic leukemia. Last evaluated: 2024-01-12. Review status: criteria provided, single submitter. Criteria: ACMG Guidelines, 2015. Collection method: clinical testing. Allele origin: germline.

Blueprint Genetics
Classification: Pathogenic for PTPN11-related disorders. Last evaluated: 2023-11-30. Review status: criteria provided, single submitter. Criteria: ACMG Guidelines, 2015. Collection method: clinical testing. Allele origin: germline. Affected: yes. Observed: 2 variant alleles.

Labcorp Genetics (formerly Invitae), Labcorp
Classification: Pathogenic for RASopathy. Last evaluated: 2022-03-14. Review status: criteria provided, single submitter. Criteria: Invitae Variant Classification Sherloc (09022015). Collection method: clinical testing. Allele origin: germline.
Comment: This variant disrupts the p.Pro491 amino acid residue in PTPN11. Other variant(s) that disrupt this residue have been determined to be pathogenic (PMID: 15985475, 18470943, 20186801, 22781091, 23624134). This suggests that this residue is clinically significant, and that variants that disrupt this residue are likely to be disease-causing. For these reasons, this variant has been classified as Pathogenic. Experimental studies have shown that this missense change affects PTPN11 function (PMID: 32737134). This sequence change replaces proline, which is neutral and non-polar, with alanine, which is neutral and non-polar, at codon 491 of the PTPN11 protein (p.Pro491Ala). This variant is not present in population databases (gnomAD no frequency). This missense change has been observed in individual(s) with Noonan syndrome (PMID: 28650561, 32737134). In at least one individual the variant was observed to be de novo. ClinVar contains an entry for this variant (Variation ID: 181503). Advanced modeling of protein sequence and biophysical properties (such as structural, functional, and spatial information, amino acid conservation, physicochemical variation, residue mobility, and thermodynamic stability) performed at Invitae indicates that this missense variant is expected to disrupt PTPN11 protein function.

Genome Diagnostics Laboratory, The Hospital for Sick Children
Classification: Likely pathogenic for Noonan syndrome and Noonan-related syndrome. Last evaluated: 2017-11-05. Review status: criteria provided, single submitter. Criteria: ACMG Guidelines, 2015. Collection method: clinical testing. Allele origin: germline. Affected: yes.
Comment: This missense variant results in a change from proline to alanine at amino acid position 491. This variant has been reported in an individual with PTPN11-associated Noonan syndrome and occurred de novo (PMID: 32737134). Different amino acid changes impact this position have been reported in individuals with PTPN11-related disorders (PMID: 15985475, 18470943, 20186801, 22781091, 23624134). This variant is observed at an allele frequency of 0.00019% in population controls of the Genome Aggregation Database (gnomAD). In silico prediction programs predict this variant to impact protein function. Based on the evidence above, this variant is classified as pathogenic (PS2, PM2, PM5, PP3, PP5).

Genetic Testing Center for Deafness, Department of Otolaryngology Head & Neck Surgery, Institute of Otolaryngology, Chinese PLA General Hospital
Classification: Pathogenic for Noonan syndrome 1. Review status: criteria provided, single submitter. Criteria: ClinGen HL ACMG Specifications v1. Collection method: case-control. Allele origin: de novo. Affected: yes. Observed: 1 variant allele.

Service de Génétique Moléculaire, Hôpital Robert Debré
Classification: Uncertain significance for Noonan syndrome. Review status: flagged submission. Collection method: clinical testing. Allele origin: maternal. Not counted in ClinVar's aggregate classification.
ClinVar note: Reason: Outlier claim with insufficient supporting evidence

Literature cited by the submitters: PubMed 15985475 (cited by Labcorp Genetics (formerly Invitae), Labcorp); PubMed 18470943 (cited by Labcorp Genetics (formerly Invitae), Labcorp); PubMed 20186801 (cited by Labcorp Genetics (formerly Invitae), Labcorp); PubMed 22781091 (cited by Labcorp Genetics (formerly Invitae), Labcorp); PubMed 23624134 (cited by Labcorp Genetics (formerly Invitae), Labcorp); PubMed 32737134 (cited by Labcorp Genetics (formerly Invitae), Labcorp); PubMed 28650561 (cited by Labcorp Genetics (formerly Invitae), Labcorp).